The following is an entry in ClinVar:

NM_003664.5(AP3B1):c.3064A>G (p.Ile1022Val)

Gene: AP3B1 (adaptor related protein complex 3 subunit beta 1; minus strand). Cytogenetic location: 5q14.1.
Variant type: single nucleotide variant.
Coding change: c.3064A>G on transcript NM_003664.5 (MANE Select); coding-DNA position 3064, A replaced by G.
Protein change: p.Ile1022Val; replaces isoleucine 1022 with valine.
Molecular consequence: missense variant.
Genome position (GRCh38, 1-based): chr5:78,015,477, T>C on the plus strand (A>G on the coding strand, the complement: AP3B1 is on the minus strand). VCF-style: chr5-78015477-T-C. GRCh37 (hg19) VCF-style: chr5-77311301-T-C.
Other names: c.2917A>G, p.Ile973Val (NM_001271769.2); short protein forms I1022V, I973V.
Identifiers: ClinVar variation 1997119 (VCV001997119.3), dbSNP rs554702848, ClinGen allele CA121592819.

ClinVar aggregate classification (germline): Uncertain significance (1 of 4 stars; one submission).

Conditions:
Hermansky-Pudlak syndrome 2 (HPS2). Also called: Platelet defects and oculocutaneous albinism. Identifiers: Orphanet 183678, Orphanet 79430, MedGen C1842362, MONDO:0011997, OMIM 608233.

Allele frequency attached by ClinVar (database versions not stated): gnomAD exomes 0.00001.
gnomAD v4.1: 3 of 1,613,862 alleles (0.00019%); highest among the groups gnomAD compares: Non-Finnish European, 0.00025%; no homozygotes.

Submission:

Labcorp Genetics (formerly Invitae), Labcorp
Classification: Uncertain significance for Hermansky-Pudlak syndrome 2. Last evaluated: 2024-12-02. Review status: criteria provided, single submitter. Criteria: Invitae Variant Classification Sherloc (09022015). Collection method: clinical testing. Allele origin: germline.
Comment: This sequence change replaces isoleucine, which is neutral and non-polar, with valine, which is neutral and non-polar, at codon 1022 of the AP3B1 protein (p.Ile1022Val). This variant is not present in population databases (gnomAD no frequency). This variant has not been reported in the literature in individuals affected with AP3B1-related conditions. ClinVar contains an entry for this variant (Variation ID: 1997119). An algorithm developed to predict the effect of missense changes on protein structure and function (PolyPhen-2) suggests that this variant is likely to be tolerated. In summary, the available evidence is currently insufficient to determine the role of this variant in disease. Therefore, it has been classified as a Variant of Uncertain Significance.